The following is an entry in ClinVar:

NM_015268.4(DNAJC13):c.745-5dup

Gene: DNAJC13 (DnaJ heat shock protein family (Hsp40) member C13; plus strand). Cytogenetic location: 3q22.1.
Variant type: Duplication.
Coding change: c.745-5dup on transcript NM_015268.4 (MANE Select); 5 bases into the intron before coding-DNA position 745, one base duplicated (T; older notation c.745-5dupT).
Molecular consequence: intron variant.
Genome position (GRCh38, 1-based): chr3:132,453,594, T duplicated; the last of 6 consecutive T bases (chr3:132,453,589-132,453,594); duplicating any one gives the same sequence. VCF-style (leftmost placement, unchanged base first): chr3-132453588-A-AT. GRCh37 (hg19) VCF-style: chr3-132172432-A-AT.
Other names: c.745-5dup (NM_001329126.2).
Identifiers: ClinVar variation 3350334 (VCV003350334.1).

ClinVar aggregate classification (germline): Benign (0 of 4 stars; one submission).

Conditions:
DNAJC13-related disorder. Also called: DNAJC13-related condition.

Submission:

PreventionGenetics, part of Exact Sciences
Classification: Benign for DNAJC13-related condition. Last evaluated: 2024-08-09. Review status: no assertion criteria provided. Collection method: clinical testing. Allele origin: germline.
Comment: This variant is classified as benign based on ACMG/AMP sequence variant interpretation guidelines (Richards et al. 2015 PMID: 25741868, with internal and published modifications).